The following is an entry in ClinVar:

ClinVar aggregate classification (germline): Pathogenic/Likely pathogenic. Review status: criteria provided, multiple submitters, no conflicts (2 of 4 stars). 3 submissions from 3 submitters: Pathogenic (1); Likely pathogenic (2). Last evaluated 2025-03-28.

Conditions:
Fanconi anemia complementation group O. Also called: RAD51C-Related Fanconi Anemia. Identifiers: Orphanet 84, MedGen C3150653, MONDO:0013248, OMIM 613390.
Breast-ovarian cancer, familial, susceptibility to, 3. Also called: RAD51C-Related Breast/Ovarian Cancer. Identifiers: Orphanet 145, MedGen C3150659, MONDO:0013253, OMIM 613399.

Allele frequency attached by ClinVar (database versions not stated): gnomAD exomes below 0.00001.
gnomAD v4.1: 2 of 1,611,030 alleles (0.00012%); highest among the groups gnomAD compares: African/African-American, 0.0013%; no homozygotes.

Submissions (3):

Myriad Genetics, Inc.
Classification: Likely pathogenic for Breast-ovarian cancer, familial, susceptibility to, 3. Last evaluated: 2025-03-28. Review status: criteria provided, single submitter. Criteria: Myriad Autosomal Dominant, Autosomal Recessive and X-Linked Classification Criteria (2023). Collection method: clinical testing. Allele origin: unknown.
Comment: This variant is considered likely pathogenic. This variant occurs within a consensus splice junction and is predicted to result in abnormal mRNA splicing of either an out-of-frame exon or an in-frame exon necessary for protein stability and/or normal function.

Labcorp Genetics (formerly Invitae), Labcorp
Classification: Pathogenic for Fanconi anemia complementation group O. Last evaluated: 2025-01-15. Review status: criteria provided, single submitter. Criteria: Invitae Variant Classification Sherloc (09022015). Collection method: clinical testing. Allele origin: germline.
Comment: This sequence change affects a donor splice site in intron 4 of the RAD51C gene. RNA analysis indicates that disruption of this splice site induces altered splicing and may result in an absent or altered protein product. This variant is not present in population databases (gnomAD no frequency). Disruption of this splice site has been observed in individual(s) with personal and family history of breast cancer (PMID: 29255180). ClinVar contains an entry for this variant (Variation ID: 1098906). Studies have shown that disruption of this splice site alters mRNA splicing and is expected to lead to the loss of protein expression (PMID: 35740625). For these reasons, this variant has been classified as Pathogenic.

Hereditary Cancer Group, L’Institut d'Investigació Biomèdica de Bellvitge
Classification: Likely pathogenic for Breast-ovarian cancer, familial, susceptibility to, 3. Last evaluated: 2021-05-03. Review status: criteria provided, single submitter. Criteria: ACMG Guidelines, 2015. Collection method: curation. Allele origin: germline.

Literature cited by the submitters: PubMed 29255180 (cited by Labcorp Genetics (formerly Invitae), Labcorp and Hereditary Cancer Group, L’Institut d'Investigació Biomèdica de Bellvitge); PubMed 35740625 (cited by Labcorp Genetics (formerly Invitae), Labcorp).

NM_058216.3(RAD51C):c.705+1G>T

Genes: RAD51C (RAD51 paralog C; plus strand), LOC129390903 (MPRA-validated peak2919 silencer; plus strand). Cytogenetic location: 17q22.
Variant type: single nucleotide variant.
Coding change: c.705+1G>T on transcript NM_058216.3 (MANE Select); the canonical splice donor site of the intron after coding-DNA position 705, G replaced by T.
Molecular consequence: splice donor variant.
Genome position (GRCh38, 1-based): chr17:58,703,330, G>T. VCF-style: chr17-58703330-G-T. GRCh37 (hg19) VCF-style: chr17-56780691-G-T.
Identifiers: ClinVar variation 1098906 (VCV001098906.7), dbSNP rs876658644, ClinGen allele CA400350199.